The following is an entry in ClinVar:

ClinVar aggregate classification (germline): Likely benign (1 of 4 stars; one submission).

Submission:

CeGaT Center for Human Genetics Tuebingen
Classification: Likely benign. Last evaluated: 2023-01-01. Review status: criteria provided, single submitter. Criteria: CeGaT Center For Human Genetics Tuebingen Variant Classification Criteria Version 2. Collection method: clinical testing. Allele origin: germline. Affected: yes. Observed: 1 variant allele.
Comment: TMEM255B: BS2

NC_000013.11:g.113752523C>G

Gene: TMEM255B (transmembrane protein 255B; plus strand). Cytogenetic location: 13q34.
Variant type: single nucleotide variant.
Genome position: GRCh38 VCF-style: chr13-113752523-C-G. GRCh37 (hg19) VCF-style: chr13-114455496-C-G.
Identifiers: ClinVar variation 2644013 (VCV002644013.24), dbSNP rs1374837559, ClinGen allele CA612723897.